The following is an entry in ClinVar:

NM_032638.5(GATA2):c.56C>T (p.Ala19Val)

Gene: GATA2 (GATA binding protein 2; minus strand). Cytogenetic location: 3q21.3.
Variant type: single nucleotide variant.
Coding change: c.56C>T on transcript NM_032638.5 (MANE Select); coding-DNA position 56, C replaced by T.
Protein change: p.Ala19Val; replaces alanine 19 with valine.
Molecular consequence: missense variant.
Genome position (GRCh38, 1-based): chr3:128,486,976, G>A on the plus strand (C>T on the coding strand, the complement: GATA2 is on the minus strand). VCF-style: chr3-128486976-G-A. GRCh37 (hg19) VCF-style: chr3-128205819-G-A.
Other names: c.56C>T, p.Ala19Val (NM_001145661.2, NM_001145662.1); short protein forms A19V.
Identifiers: ClinVar variation 3241683 (VCV003241683.2), dbSNP rs1361789790.

ClinVar aggregate classification (germline): Uncertain significance. Review status: criteria provided, multiple submitters, no conflicts (2 of 4 stars). 2 submissions from 2 submitters: Uncertain significance (2). Last evaluated 2025-08-22.

Conditions:
Inborn genetic diseases. Identifiers: MedGen C0950123, MeSH D030342.
Acute myeloid leukemia (AML). Also called: Acute myeloid leukemia, adult; AML adult; Acute non-lymphocytic leukemia; Acute granulocytic leukemia; Leukemia, acute myeloid, somatic; Leukemia, acute myelogenous, somatic. Identifiers: Orphanet 519, MedGen C0023467, MeSH D015470, MONDO:0018874, OMIM 601626, HP:0004808. Disease mechanism: Constitutively activated FLT3.

Submissions (2):

Ambry Genetics
Classification: Uncertain significance for Inborn genetic diseases. Last evaluated: 2025-08-22. Review status: criteria provided, single submitter. Criteria: Ambry Variant Classification Scheme 2023. Collection method: clinical testing. Allele origin: germline.
Comment: The p.A19V variant (also known as c.56C>T), located in coding exon 1 of the GATA2 gene, results from a C to T substitution at nucleotide position 56. The alanine at codon 19 is replaced by valine, an amino acid with similar properties. This amino acid position is conserved. In addition, the in silico prediction for this alteration is inconclusive. Based on the available evidence, the clinical significance of this variant remains unclear.

Baylor Genetics
Classification: Uncertain significance for Acute myeloid leukemia. Last evaluated: 2024-01-17. Review status: criteria provided, single submitter. Criteria: ACMG Guidelines, 2015. Collection method: clinical testing. Allele origin: unknown.